The following is an entry in ClinVar:

ClinVar aggregate classification (germline): Pathogenic (1 of 4 stars; one submission).

Submission:

Labcorp Genetics (formerly Invitae), Labcorp
Classification: Pathogenic. Last evaluated: 2023-10-26. Review status: criteria provided, single submitter. Criteria: Invitae Variant Classification Sherloc (09022015). Collection method: clinical testing. Allele origin: unknown.
Comment: This variant results in the deletion of exons 1-6 and part of exon 7 (c.-1871_613del) of the CHRNG gene. It is expected to result in an absent or disrupted protein product. Loss-of-function variants in CHRNG are known to be pathogenic (PMID: 16826520). This variant has not been reported in the literature in individuals affected with CHRNG-related conditions. For these reasons, this variant has been classified as Pathogenic.

Literature cited by the submitters: PubMed 16826520.

NC_000002.11:g.(?_233402587)_(233407600_?)del

Gene: CHRNG (cholinergic receptor nicotinic gamma subunit; plus strand). Cytogenetic location: 2q37.1.
Variant type: Deletion.
Identifiers: ClinVar variation 3247531 (VCV003247531.1).